The following is an entry in ClinVar:

ClinVar aggregate classification (germline): Uncertain significance. Review status: criteria provided, multiple submitters, no conflicts (2 of 4 stars). 2 submissions from 2 submitters: Uncertain significance (2). Last evaluated 2026-01-30.

Conditions:
PKD1L1-related disorder. Also called: PKD1L1-related condition.
Heterotaxy, visceral, 8, autosomal (HTX8). Identifiers: MedGen C4310668, MONDO:0014967, OMIM 617205.

Allele frequency attached by ClinVar (database versions not stated): ESP Exome Variant Server 0.00015; gnomAD 0.00002; ExAC 0.00003; gnomAD exomes 0.00003 and 0.00004; TOPMed 0.00003.
gnomAD v4.1: 55 of 1,614,006 alleles (0.0034%); highest among the groups gnomAD compares: Admixed American, 0.01%; no homozygotes.

Submissions (2):

PreventionGenetics, part of Exact Sciences
Classification: Uncertain significance for PKD1L1-related condition. Last evaluated: 2026-01-30. Review status: criteria provided, single submitter. Criteria: ACMG Guidelines, 2015. Collection method: clinical testing. Allele origin: germline.
Comment: The PKD1L1 c.7294C>T variant is predicted to result in the amino acid substitution p.Pro2432Ser. To our knowledge, this variant has not been reported in the literature. This variant is reported in 0.017% of alleles in individuals of Latino descent in gnomAD. At this time, the clinical significance of this variant is uncertain due to the absence of conclusive functional and genetic evidence.

Baylor Genetics
Classification: Uncertain significance for Heterotaxy, visceral, 8, autosomal. Last evaluated: 2019-12-05. Review status: criteria provided, single submitter. Criteria: ACMG Guidelines, 2015. Collection method: clinical testing. Allele origin: unknown. Affected: yes.
Comment: This variant was determined to be of uncertain significance according to ACMG Guidelines, 2015 [PMID:25741868].

NM_138295.5(PKD1L1):c.7294C>T (p.Pro2432Ser)

Genes: PKD1L1 (polycystin 1 like 1, transient receptor potential channel interacting; minus strand), PKD1L1-AS1 (PKD1L1 antisense RNA 1; plus strand). Cytogenetic location: 7p12.3.
Variant type: single nucleotide variant.
Coding change: c.7294C>T on transcript NM_138295.5 (MANE Select); coding-DNA position 7294, C replaced by T.
Protein change: p.Pro2432Ser; replaces proline 2432 with serine.
Molecular consequence: missense variant.
Genome position (GRCh38, 1-based): chr7:47,813,173, G>A on the plus strand (C>T on the coding strand, the complement: PKD1L1 is on the minus strand). VCF-style: chr7-47813173-G-A. GRCh37 (hg19) VCF-style: chr7-47852771-G-A.
Other names: short protein forms P2432S.
Identifiers: ClinVar variation 1027705 (VCV001027705.2), dbSNP rs137918330, ClinGen allele CA4252061.